The following is an entry in ClinVar:

NM_001130987.2(DYSF):c.5183C>T (p.Pro1728Leu)

Gene: DYSF (dysferlin; plus strand). Cytogenetic location: 2p13.2.
Variant type: single nucleotide variant.
Coding change: c.5183C>T on transcript NM_001130987.2 (MANE Select); coding-DNA position 5183, C replaced by T.
Protein change: p.Pro1728Leu; replaces proline 1728 with leucine.
Molecular consequence: missense variant.
Genome position (GRCh38, 1-based): chr2:71,665,170, C>T. VCF-style: chr2-71665170-C-T. GRCh37 (hg19) VCF-style: chr2-71892300-C-T.
Other names: c.5069C>T, p.Pro1690Leu (NM_001130455.2); c.5024C>T, p.Pro1675Leu (NM_001130976.2); c.5087C>T, p.Pro1696Leu (NM_001130977.2); c.5129C>T, p.Pro1710Leu (NM_001130978.2); c.5159C>T, p.Pro1720Leu (NM_001130979.2); c.5117C>T, p.Pro1706Leu (NM_001130980.2); c.5180C>T, p.Pro1727Leu (NM_001130981.2); c.5162C>T, p.Pro1721Leu (NM_001130982.2); and 5 more; short protein forms P1689L, P1707L, P1676L, P1696L, P1697L, P1706L, P1710L, P1711L.
Identifiers: ClinVar variation 2152156 (VCV002152156.4), dbSNP rs542182076, ClinGen allele CA1707284.

ClinVar aggregate classification (germline): Conflicting classifications of pathogenicity. Review status: criteria provided, conflicting classifications (1 of 4 stars). 2 submissions from 2 submitters: Uncertain significance (1); Likely benign (1). Last evaluated 2024-07-21.

Conditions:
Neuromuscular disease caused by qualitative or quantitative defects of dysferlin. Also called: Dysferlinopathy; Qualitative or quantitative defects of dysferlin. Identifiers: Orphanet 207073, MedGen C2931687, MONDO:0016145.
Autosomal recessive limb-girdle muscular dystrophy type 2B (LGMDR2). Also called: Limb-Girdle Muscular Dystrophy Type 2B (LGMD2B); MUSCULAR DYSTROPHY, LIMB-GIRDLE, TYPE 3; Limb-girdle muscular dystrophy, type 2B; MUSCULAR DYSTROPHY, LIMB-GIRDLE, AUTOSOMAL RECESSIVE 2. Identifiers: Orphanet 268, MedGen C1850889, MONDO:0009676, OMIM 253601.

Allele frequency attached by ClinVar (database versions not stated): ExAC 0.00001; gnomAD 0.00002; 1000 Genomes Project 0.00020; 1000 Genomes Project 30x 0.00031.
gnomAD v4.1: 16 of 1,613,922 alleles (0.00099%); highest among the groups gnomAD compares: African/African-American, 0.004%; 1 homozygote.

Submissions (2):

Labcorp Genetics (formerly Invitae), Labcorp
Classification: Likely benign for Neuromuscular disease caused by qualitative or quantitative defects of dysferlin. Last evaluated: 2024-07-21. Review status: criteria provided, single submitter. Criteria: Invitae Variant Classification Sherloc (09022015). Collection method: clinical testing. Allele origin: germline.

Neuberg Centre For Genomic Medicine, NCGM
Classification: Uncertain significance for Autosomal recessive limb-girdle muscular dystrophy type 2B. Review status: criteria provided, single submitter. Criteria: ACMG Guidelines, 2015. Collection method: clinical testing. Allele origin: germline. Inheritance: Autosomal recessive inheritance. Affected: yes.
Comment: The missense variant in c.5183C>T(p.Pro1728Leu) in DYSF gene has not been reported previously as a pathogenic variant nor as a benign variant, to our knowledge. This variant has allele frequency 0.001194% in the gnomAD and novel in 1000 genome database. The amino acid Pro at position 1728 is changed to a Leu changing protein sequence and it might alter its composition and physico-chemical properties. In silico tools predict the variant to be tolerated. The residue is conserved across species. The amino acid change p.Pro1728Leu in DYSF is predicted as conserved by GERP++ and PhyloP across 100 vertebrates. For these reasons, this variant has been classified as Uncertain Significance.